The following is an entry in ClinVar:

ClinVar aggregate classification (germline): Uncertain significance. Review status: criteria provided, multiple submitters, no conflicts (2 of 4 stars). 2 submissions from 2 submitters: Uncertain significance (2). Last evaluated 2025-08-24.

Conditions:
Developmental and epileptic encephalopathy, 12 (DEE12). Identifiers: MedGen C3150988, MONDO:0013389, OMIM 613722.
Inborn genetic diseases. Identifiers: MedGen C0950123, MeSH D030342.

Allele frequency attached by ClinVar (database versions not stated): ExAC 0.00002; gnomAD exomes 0.00002 and 0.00005; TOPMed 0.00003; gnomAD 0.00005 and 0.00006.
gnomAD v4.1: 78 of 1,613,758 alleles (0.0048%); highest among the groups gnomAD compares: African/African-American, 0.0067%; no homozygotes.

Submissions (2):

Ambry Genetics
Classification: Uncertain significance for Inborn genetic diseases. Last evaluated: 2025-08-24. Review status: criteria provided, single submitter. Criteria: Ambry Variant Classification Scheme 2023. Collection method: clinical testing. Allele origin: germline.

Labcorp Genetics (formerly Invitae), Labcorp
Classification: Uncertain significance for Developmental and epileptic encephalopathy, 12. Last evaluated: 2022-02-27. Review status: criteria provided, single submitter. Criteria: Invitae Variant Classification Sherloc (09022015). Collection method: clinical testing. Allele origin: germline.
Comment: This sequence change replaces asparagine, which is neutral and polar, with serine, which is neutral and polar, at codon 724 of the PLCB1 protein (p.Asn724Ser). This variant is present in population databases (rs762968564, gnomAD 0.004%). This variant has not been reported in the literature in individuals affected with PLCB1-related conditions. ClinVar contains an entry for this variant (Variation ID: 839312). Algorithms developed to predict the effect of missense changes on protein structure and function are either unavailable or do not agree on the potential impact of this missense change (SIFT: "Deleterious"; PolyPhen-2: "Probably Damaging"; Align-GVGD: "Class C0"). In summary, the available evidence is currently insufficient to determine the role of this variant in disease. Therefore, it has been classified as a Variant of Uncertain Significance.

NM_015192.4(PLCB1):c.2171A>G (p.Asn724Ser)

Gene: PLCB1 (phospholipase C beta 1; plus strand). Cytogenetic location: 20p12.3.
Variant type: single nucleotide variant.
Coding change: c.2171A>G on transcript NM_015192.4 (MANE Select); coding-DNA position 2171, A replaced by G.
Protein change: p.Asn724Ser; replaces asparagine 724 with serine.
Molecular consequence: missense variant.
Genome position (GRCh38, 1-based): chr20:8,737,155, A>G. VCF-style: chr20-8737155-A-G. GRCh37 (hg19) VCF-style: chr20-8717802-A-G.
Other names: c.2171A>G (NM_015192.2); c.2171A>G, p.Asn724Ser (NM_182734.3); short protein forms N724S.
Identifiers: ClinVar variation 839312 (VCV000839312.8), dbSNP rs762968564, ClinGen allele CA9760153.